The following is an entry in ClinVar:

NM_000535.7(PMS2):c.2006+5del

Gene: PMS2 (PMS1 homolog 2, mismatch repair system component; minus strand). Cytogenetic location: 7p22.1.
Variant type: Deletion.
Coding change: c.2006+5del on transcript NM_000535.7 (MANE Select); 5 bases into the intron after coding-DNA position 2006, one base deleted (A; older notation c.2006+5delA).
Molecular consequence: intron variant.
Genome position (GRCh38, 1-based): chr7:5,986,754, T deleted on the plus strand (A on the coding strand, the reverse complement: PMS2 is on the minus strand); the first of 3 consecutive T bases (chr7:5,986,754-5,986,756); deleting any one gives the same sequence. VCF-style (leftmost placement, unchanged base first): chr7-5986753-CT-C. GRCh37 (hg19) VCF-style: chr7-6026384-CT-C.
Other names: c.2006+5delA (NM_000535.5); c.1688+5del (NM_001322008.2, NM_001322007.2); c.1445+5del (NM_001322010.2); c.1601+5del (NM_001322004.2, NM_001322003.2, NM_001322009.2 and 1 more transcripts); c.1433+5del (NM_001322013.2); c.1073+5del (NM_001322012.2, NM_001322011.2); c.1697+5del (NM_001322015.2); c.1850+5del (NM_001322006.2); and 1 more.
Identifiers: ClinVar variation 954263 (VCV000954263.14), dbSNP rs1782913891, ClinGen allele CA1139659550.
Genomic context (GRCh38, chr7:5,986,753, plus strand): 5'-AAAAAATAAAAAATAAAAATAAAAATTTTAGATAAAAAGAGAAAAAGTAAAAAATTAAAA[CT>C]TTACCTTATCTCTTTTCTTAGTTCATCTTCGGCTGCTTGATTTTCTCCAGGACAAATCTT-3'

ClinVar aggregate classification (germline): Conflicting classifications of pathogenicity. Review status: criteria provided, conflicting classifications (1 of 4 stars). 3 submissions from 3 submitters: Uncertain significance (2); Likely benign (1). Last evaluated 2025-02-03.

Conditions:
Hereditary cancer-predisposing syndrome. Also called: Hereditary neoplastic syndrome; Tumor predisposition; Neoplastic Syndromes, Hereditary; Hereditary Cancer Syndrome. Identifiers: Orphanet 140162, MedGen C0027672, MeSH D009386, MONDO:0015356.
Lynch syndrome 4 (LYNCH4). Also called: Hereditary non-polyposis colorectal cancer, type 4; Colorectal cancer, hereditary nonpolyposis, type 4. Identifiers: Orphanet 144, MedGen C1838333, MONDO:0013699, OMIM 614337. Disease mechanism: loss of function.
Hereditary nonpolyposis colorectal neoplasms. Identifiers: MedGen C0009405, MeSH D003123.

Submissions (3):

Myriad Genetics, Inc.
Classification: Likely benign for Lynch syndrome 4. Last evaluated: 2025-02-03. Review status: criteria provided, single submitter. Criteria: Myriad Autosomal Dominant, Autosomal Recessive and X-Linked Classification Criteria (2023). Collection method: clinical testing. Allele origin: unknown.
Comment: This variant is considered likely benign. This variant is intronic and is not expected to impact mRNA splicing.

Ambry Genetics
Classification: Uncertain significance for Hereditary cancer-predisposing syndrome. Last evaluated: 2024-05-31. Review status: criteria provided, single submitter. Criteria: Ambry Variant Classification Scheme 2023. Collection method: clinical testing. Allele origin: germline.
Comment: The c.2006+5delA intronic variant, located in intron 11 of the PMS2 gene, results from a deletion of one nucleotide within intron 11 of the PMS2 gene. This nucleotide position is not well conserved in available vertebrate species. In silico splice site analysis predicts that this alteration will not have any significant effect on splicing. Based on the available evidence, the clinical significance of this variant remains unclear.

Labcorp Genetics (formerly Invitae), Labcorp
Classification: Uncertain significance for Hereditary nonpolyposis colorectal neoplasms. Last evaluated: 2022-06-27. Review status: criteria provided, single submitter. Criteria: Invitae Variant Classification Sherloc (09022015). Collection method: clinical testing. Allele origin: germline.
Comment: In summary, the available evidence is currently insufficient to determine the role of this variant in disease. Therefore, it has been classified as a Variant of Uncertain Significance. Variants that disrupt the consensus splice site are a relatively common cause of aberrant splicing (PMID: 17576681, 9536098). Algorithms developed to predict the effect of sequence changes on RNA splicing suggest that this variant is not likely to affect RNA splicing. ClinVar contains an entry for this variant (Variation ID: 954263). This variant has not been reported in the literature in individuals affected with PMS2-related conditions. This variant is not present in population databases (gnomAD no frequency). This sequence change falls in intron 11 of the PMS2 gene. It does not directly change the encoded amino acid sequence of the PMS2 protein. It affects a nucleotide within the consensus splice site.

Literature cited by the submitters: PubMed 17576681 (cited by Labcorp Genetics (formerly Invitae), Labcorp); PubMed 9536098 (cited by Labcorp Genetics (formerly Invitae), Labcorp).